The following is an entry in ClinVar:

ClinVar aggregate classification (germline): Uncertain significance. Review status: criteria provided, multiple submitters, no conflicts (2 of 4 stars). 2 submissions from 2 submitters: Uncertain significance (2). Last evaluated 2024-07-31.

Conditions:
Dilated cardiomyopathy 1O (CMD1O). Also called: CARDIOMYOPATHY, DILATED, WITH VENTRICULAR TACHYCARDIA. Identifiers: Orphanet 154, MedGen C1837839, MONDO:0012062, OMIM 608569.

Submissions (2):

GeneDx
Classification: Uncertain significance. Last evaluated: 2024-07-31. Review status: criteria provided, single submitter. Criteria: GeneDx Variant Classification Process June 2021. Collection method: clinical testing. Allele origin: germline. Affected: yes.
Comment: Has not been previously published as pathogenic or benign to our knowledge; Not observed at significant frequency in large population cohorts (gnomAD); In silico analysis indicates that this missense variant does not alter protein structure/function

Labcorp Genetics (formerly Invitae), Labcorp
Classification: Uncertain significance for Dilated cardiomyopathy 1O. Last evaluated: 2022-09-05. Review status: criteria provided, single submitter. Criteria: Invitae Variant Classification Sherloc (09022015). Collection method: clinical testing. Allele origin: germline.
Comment: In summary, the available evidence is currently insufficient to determine the role of this variant in disease. Therefore, it has been classified as a Variant of Uncertain Significance. Algorithms developed to predict the effect of missense changes on protein structure and function output the following: SIFT: "Tolerated"; PolyPhen-2: "Benign"; Align-GVGD: "Class C0". The valine amino acid residue is found in multiple mammalian species, which suggests that this missense change does not adversely affect protein function. ClinVar contains an entry for this variant (Variation ID: 388487). This variant has not been reported in the literature in individuals affected with ABCC9-related conditions. This variant is not present in population databases (gnomAD no frequency). This sequence change replaces leucine, which is neutral and non-polar, with valine, which is neutral and non-polar, at codon 1272 of the ABCC9 protein (p.Leu1272Val).

NM_020297.4(ABCC9):c.3814C>G (p.Leu1272Val)

Genes: ABCC9 (ATP binding cassette subfamily C member 9; minus strand), KCNJ8-AS1 (KCNJ8 antisense RNA 1; plus strand). Cytogenetic location: 12p12.1.
Variant type: single nucleotide variant.
Coding change: c.3814C>G on transcript NM_020297.4 (MANE Select); coding-DNA position 3814, C replaced by G.
Protein change: p.Leu1272Val; replaces leucine 1272 with valine.
Molecular consequence: missense variant.
Genome position (GRCh38, 1-based): chr12:21,817,265, G>C on the plus strand (C>G on the coding strand, the complement: ABCC9 is on the minus strand). VCF-style: chr12-21817265-G-C. GRCh37 (hg19) VCF-style: chr12-21970199-G-C.
Other names: c.3814C>G, p.Leu1272Val (NM_001377273.1, NM_005691.4); c.2947C>G, p.Leu983Val (NM_001377274.1); short protein forms L1272V, L983V.
Identifiers: ClinVar variation 388487 (VCV000388487.7), dbSNP rs1057523124, ClinGen allele CA16606490.